The following is an entry in ClinVar:

NM_001369369.1(FOXN1):c.505G>A (p.Glu169Lys)

Gene: FOXN1 (forkhead box N1; plus strand). Cytogenetic location: 17q11.2.
Variant type: single nucleotide variant.
Coding change: c.505G>A on transcript NM_001369369.1 (MANE Select); coding-DNA position 505, G replaced by A.
Protein change: p.Glu169Lys; replaces glutamic acid 169 with lysine.
Molecular consequence: missense variant.
Genome position (GRCh38, 1-based): chr17:28,524,884, G>A. VCF-style: chr17-28524884-G-A. GRCh37 (hg19) VCF-style: chr17-26851902-G-A.
Other names: c.505G>A, p.Glu169Lys (NM_003593.3); short protein forms E169K.
Identifiers: ClinVar variation 2083928 (VCV002083928.3), dbSNP rs907070119, ClinGen allele CA289116441.

ClinVar aggregate classification (germline): Uncertain significance. Review status: criteria provided, multiple submitters, no conflicts (2 of 4 stars). 2 submissions from 2 submitters: Uncertain significance (2). Last evaluated 2024-06-07.

Conditions:
T-cell immunodeficiency, congenital alopecia, and nail dystrophy. Also called: Congenital alopecia and nail dystrophy associated with severe functional T-cell immunodeficiency; Pignata Guarino syndrome. Identifiers: Orphanet 169095, MedGen C1866426, MONDO:0011132, OMIM 601705.

Allele frequency attached by ClinVar (database versions not stated): gnomAD 0.00001; gnomAD exomes 0.00001; TOPMed 0.00001.
gnomAD v4.1: 21 of 1,613,466 alleles (0.0013%); highest among the groups gnomAD compares: Middle Eastern, 0.017%; no homozygotes.

Submissions (2):

Women's Health and Genetics/Laboratory Corporation of America, LabCorp
Classification: Uncertain significance. Last evaluated: 2024-06-07. Review status: criteria provided, single submitter. Criteria: LabCorp Variant Classification Summary - May 2015. Collection method: clinical testing. Allele origin: germline.
Comment: Variant summary: FOXN1 c.505G>A (p.Glu169Lys) results in a conservative amino acid change in the encoded protein sequence. Four of five in-silico tools predict a damaging effect of the variant on protein function. The variant was absent in 250012 control chromosomes. The available data on variant occurrences in the general population are insufficient to allow any conclusion about variant significance. c.505G>A has been reported in the literature in at least an individual with low levels of T cell receptor excision circles (Bosticardo_2019). These report(s) do not provide unequivocal conclusions about association of the variant with Severe Combined Immunodeficiency. In in vitro luciferase reporter assays, the variant showed 78% of activity compared to control (Moses_2023). The following publications have been ascertained in the context of this evaluation (PMID: 31447097, 37419334). ClinVar contains an entry for this variant (Variation ID: 2083928). Based on the evidence outlined above, the variant was classified as uncertain significance.

Labcorp Genetics (formerly Invitae), Labcorp
Classification: Uncertain significance for T-cell immunodeficiency, congenital alopecia, and nail dystrophy. Last evaluated: 2022-09-22. Review status: criteria provided, single submitter. Criteria: Invitae Variant Classification Sherloc (09022015). Collection method: clinical testing. Allele origin: germline.
Comment: This sequence change replaces glutamic acid, which is acidic and polar, with lysine, which is basic and polar, at codon 169 of the FOXN1 protein (p.Glu169Lys). This variant is not present in population databases (gnomAD no frequency). This missense change has been observed in individual(s) with FOXN1-related conditions (PMID: 31447097). Advanced modeling of protein sequence and biophysical properties (such as structural, functional, and spatial information, amino acid conservation, physicochemical variation, residue mobility, and thermodynamic stability) performed at Invitae indicates that this missense variant is not expected to disrupt FOXN1 protein function. In summary, the available evidence is currently insufficient to determine the role of this variant in disease. Therefore, it has been classified as a Variant of Uncertain Significance.

Literature cited by the submitters: PubMed 31447097 (cited by Women's Health and Genetics/Laboratory Corporation of America, LabCorp and Labcorp Genetics (formerly Invitae), Labcorp); PubMed 37419334 (cited by Women's Health and Genetics/Laboratory Corporation of America, LabCorp).